The following is an entry in ClinVar:

NM_024911.7(WLS):c.261C>T (p.Ala87=)

Genes: GNG12-AS1 (GNG12, DIRAS3 and WLS antisense RNA 1; plus strand), WLS (Wnt ligand secretion mediator; minus strand). Cytogenetic location: 1p31.3.
Variant type: single nucleotide variant.
Coding change: c.261C>T on transcript NM_024911.7 (MANE Select); coding-DNA position 261, C replaced by T.
Protein change: p.Ala87=; no amino-acid change (alanine 87 retained).
Molecular consequence: synonymous variant. On other transcripts: intron variant (1).
Genome position (GRCh38, 1-based): chr1:68,194,073, G>A on the plus strand (C>T on the coding strand, the complement: WLS is on the minus strand). VCF-style: chr1-68194073-G-A. GRCh37 (hg19) VCF-style: chr1-68659756-G-A.
Other names: c.255C>T, p.Ala85= (NM_001002292.4); c.107-34826C>T (NM_001193334.1).
Identifiers: ClinVar variation 3777767 (VCV003777767.7).

ClinVar aggregate classification (germline): Likely benign (1 of 4 stars; one submission).

gnomAD v4.1: 819 of 1,614,098 alleles (0.051%); highest among the groups gnomAD compares: African/African-American, 0.95%; 9 homozygotes.

Submission:

CeGaT Center for Human Genetics Tuebingen
Classification: Likely benign. Last evaluated: 2025-03-01. Review status: criteria provided, single submitter. Criteria: CeGaT Center For Human Genetics Tuebingen Variant Classification Criteria Version 2. Collection method: clinical testing. Allele origin: germline. Affected: yes. Observed: 1 variant allele.
Comment: WLS: BP4, BP7